The following is an entry in ClinVar:

ClinVar aggregate classification (germline): Uncertain significance (1 of 4 stars; one submission).

Allele frequency attached by ClinVar (database versions not stated): TOPMed below 0.00001; gnomAD 0.00001; ExAC 0.00002; gnomAD exomes 0.00002.
gnomAD v4.1: 27 of 1,613,990 alleles (0.0017%); highest among the groups gnomAD compares: South Asian, 0.0044%; no homozygotes.

Submission:

Greenwood Genetic Center Diagnostic Laboratories, Greenwood Genetic Center
Classification: Uncertain significance. Last evaluated: 2021-12-23. Review status: criteria provided, single submitter. Criteria: ACMG Guidelines, 2015. Collection method: clinical testing. Allele origin: germline. Affected: yes.
Comment: PP2, PM2

NM_018489.3(ASH1L):c.575C>T (p.Thr192Met)

Gene: ASH1L (ASH1 like histone lysine methyltransferase; minus strand). Cytogenetic location: 1q22.
Variant type: single nucleotide variant.
Coding change: c.575C>T on transcript NM_018489.3 (MANE Select); coding-DNA position 575, C replaced by T.
Protein change: p.Thr192Met; replaces threonine 192 with methionine.
Molecular consequence: missense variant.
Genome position (GRCh38, 1-based): chr1:155,482,295, G>A on the plus strand (C>T on the coding strand, the complement: ASH1L is on the minus strand). VCF-style: chr1-155482295-G-A. GRCh37 (hg19) VCF-style: chr1-155452086-G-A.
Other names: c.575C>T, p.Thr192Met (NM_001366177.2); short protein forms T192M.
Identifiers: ClinVar variation 1334676 (VCV001334676.4), dbSNP rs753568698, ClinGen allele CA1147457.